The following is an entry in ClinVar:

NM_004959.5(NR5A1):c.981C>A (p.Thr327=)

Gene: NR5A1 (nuclear receptor subfamily 5 group A member 1; minus strand). Cytogenetic location: 9q33.3.
Variant type: single nucleotide variant.
Coding change: c.981C>A on transcript NM_004959.5 (MANE Select); coding-DNA position 981, C replaced by A.
Protein change: p.Thr327=; no amino-acid change (threonine 327 retained).
Molecular consequence: synonymous variant.
Genome position (GRCh38, 1-based): chr9:124,493,039, G>T on the plus strand (C>A on the coding strand, the complement: NR5A1 is on the minus strand). VCF-style: chr9-124493039-G-T. GRCh37 (hg19) VCF-style: chr9-127255318-G-T.
Identifiers: ClinVar variation 2634759 (VCV002634759.4), dbSNP rs141555967, ClinGen allele CA5235339.
Genomic context (GRCh38, chr9:124,493,039, plus strand): 5'-GCACAGCGGGGCCAGGGCGGGGCCCAGGGGCGGGGCCGAGGGACTGGTCACCTCCTGCCC[G>T]GTGACCAGCAGGATGCTGCCCTCCTTGCCGTGCTGGACCTGGCGGTAGATGTGGTCGAAC-3'
Protein context (NP_004950.2, residues 317-337): HGKEGSILLV[Thr327=]GQEVELTTVA

ClinVar aggregate classification (germline): Conflicting classifications of pathogenicity. Review status: criteria provided, conflicting classifications (1 of 4 stars). 2 submissions from 2 submitters: Uncertain significance (1); Likely benign (1). Last evaluated 2022-12-16.

Conditions:
NR5A1-related disorder. Also called: NR5A1-related condition.
46 XY differences of sex development. Also called: 46, XY disorder of sex development (DSD); 46,XY disorder of sex development. Identifiers: Orphanet 98085, MedGen C2751824, MONDO:0020040.
Oligosynaptic infertility (SPGF1). Also called: OLIGOCHIASMATIC INFERTILITY; SPERMATOGENIC FAILURE 1. Identifiers: MedGen C0403810, MONDO:0009776, OMIM 258150.

Allele frequency attached by ClinVar (database versions not stated): 1000 Genomes Project 30x 0.00047.
gnomAD v4.1: 82 of 1,600,614 alleles (0.0051%); highest among the groups gnomAD compares: South Asian, 0.074%; 1 homozygote.

Submissions (2):

Labcorp Genetics (formerly Invitae), Labcorp
Classification: Likely benign for 46 XY differences of sex development; Oligosynaptic infertility. Last evaluated: 2022-12-16. Review status: criteria provided, single submitter. Criteria: Invitae Variant Classification Sherloc (09022015). Collection method: clinical testing. Allele origin: germline.

PreventionGenetics, part of Exact Sciences
Classification: Uncertain significance for NR5A1-related condition. Last evaluated: 2022-09-15. Review status: criteria provided, single submitter. Criteria: ACMG Guidelines, 2015. Collection method: clinical testing. Allele origin: germline.
Comment: The NR5A1 c.981C>A variant is not predicted to result in an amino acid change (p.=). Several splicing prediction programs indicate that this variant may lead to creation of a novel splice acceptor site within exon 5 (Alamut Visual 2.11). To our knowledge, this variant has not been reported in the literature. This variant is reported in 0.059% of alleles in individuals of South Asian descent in gnomAD. At this time, the clinical significance of this variant is uncertain due to the absence of conclusive functional and genetic evidence.